The following is an entry in ClinVar:

ClinVar aggregate classification (germline): Conflicting classifications of pathogenicity. Review status: criteria provided, conflicting classifications (1 of 4 stars). 5 submissions from 5 submitters: Uncertain significance (2); Likely benign (2). 1 of the submissions does not count toward it. Last evaluated 2024-04-15.

Conditions:
NPHP1-related disorder. Also called: NPHP1-related condition; NPHP1-related disorders.
Nephronophthisis. Also called: Juvenile Nephronophthisis. Identifiers: Orphanet 655, MedGen C0687120, MONDO:0019005, HP:0000090.
Senior-Loken syndrome 1 (SLSN1). Also called: JUVENILE NEPHRONOPHTHISIS WITH LEBER AMAUROSIS. Identifiers: Orphanet 3156, MedGen C4551559, MONDO:0009962, OMIM 266900.
Nephronophthisis 1 (NPHP1). Also called: Nephronophthisis familial juvenile. Identifiers: Orphanet 655, Orphanet 93592, MedGen C1855681, MONDO:0009728, OMIM 256100.
Joubert syndrome with renal defect. Also called: JOUBERT SYNDROME 4. Identifiers: Orphanet 220497, MedGen C1846790, MONDO:0012308, OMIM 609583.

Allele frequency attached by ClinVar (database versions not stated): ExAC 0.00001; TOPMed 0.00001; gnomAD 0.00003.
gnomAD v4.1: 24 of 1,613,074 alleles (0.0015%); highest among the groups gnomAD compares: Non-Finnish European, 0.002%; no homozygotes.

Submissions (5):

Fulgent Genetics
Classification: Uncertain significance for Nephronophthisis 1; Senior-Loken syndrome 1; Joubert syndrome with renal defect. Last evaluated: 2024-04-15. Review status: criteria provided, single submitter. Criteria: ACMG Guidelines, 2015. Collection method: clinical testing. Allele origin: germline.

Labcorp Genetics (formerly Invitae), Labcorp
Classification: Likely benign for Nephronophthisis. Last evaluated: 2023-10-04. Review status: criteria provided, single submitter. Criteria: Invitae Variant Classification Sherloc (09022015). Collection method: clinical testing. Allele origin: germline.

Blueprint Genetics
Classification: Likely benign. Last evaluated: 2019-10-22. Review status: criteria provided, single submitter. Criteria: ACMG Guidelines, 2015. Collection method: clinical testing. Allele origin: germline.

Eurofins Ntd Llc (ga)
Classification: Uncertain significance. Last evaluated: 2017-10-13. Review status: criteria provided, single submitter. Criteria: EGL Classification Definitions 2015. Collection method: clinical testing. Allele origin: germline. Observed: 2 variant alleles, 2 heterozygotes.

PreventionGenetics, part of Exact Sciences
Classification: Likely benign for NPHP1-related condition. Last evaluated: 2019-09-11. Review status: no assertion criteria provided. Collection method: clinical testing. Allele origin: germline. Not counted in ClinVar's aggregate classification.
Comment: This variant is classified as likely benign based on ACMG/AMP sequence variant interpretation guidelines (Richards et al. 2015 PMID: 25741868, with internal and published modifications).

NM_001128178.3(NPHP1):c.330-4G>A

Gene: NPHP1 (nephrocystin 1; minus strand). Cytogenetic location: 2q13.
Variant type: single nucleotide variant.
Coding change: c.330-4G>A on transcript NM_001128178.3 (MANE Select); 4 bases into the intron before coding-DNA position 330, G replaced by A.
Molecular consequence: intron variant.
Genome position (GRCh38, 1-based): chr2:110,170,002, C>T on the plus strand (G>A on the coding strand, the complement: NPHP1 is on the minus strand). VCF-style: chr2-110170002-C-T. GRCh37 (hg19) VCF-style: chr2-110927579-C-T.
Other names: c.330-4G>A (NM_000272.4, NM_000272.3, NM_001374256.1 and 3 more transcripts); c.144-4G>A (NM_001128179.3).
Identifiers: ClinVar variation 197653 (VCV000197653.12), dbSNP rs774162169, ClinGen allele CA245909.